The following is an entry in ClinVar:

NM_172107.4(KCNQ2):c.1248-11C>T

Gene: KCNQ2 (potassium voltage-gated channel subfamily Q member 2; minus strand). Cytogenetic location: 20q13.33.
Variant type: single nucleotide variant.
Coding change: c.1248-11C>T on transcript NM_172107.4 (MANE Select); 11 bases into the intron before coding-DNA position 1248, C replaced by T.
Molecular consequence: intron variant.
Genome position (GRCh38, 1-based): chr20:63,419,683, G>A on the plus strand (C>T on the coding strand, the complement: KCNQ2 is on the minus strand). VCF-style: chr20-63419683-G-A. GRCh37 (hg19) VCF-style: chr20-62051036-G-A.
Other names: c.1217+4494C>T (NM_001439004.1, NM_004518.6); c.1247+4494C>T (NM_172108.5, NM_001439003.1, NM_172106.3 and 1 more transcripts).
Identifiers: ClinVar variation 4848312 (VCV004848312.1).

ClinVar aggregate classification (germline): Likely benign (1 of 4 stars; one submission).

gnomAD v4.1: 1 of 1,608,436 alleles (0.000062%); highest among the groups gnomAD compares: South Asian, 0.0011%; no homozygotes.

Submission:

Women's Health and Genetics/Laboratory Corporation of America, LabCorp
Classification: Likely benign. Last evaluated: 2026-02-27. Review status: criteria provided, single submitter. Criteria: LabCorp Variant Classification Summary - May 2015. Collection method: clinical testing. Allele origin: germline.
Comment: Variant summary: KCNQ2 c.1248-11C>T alters a conserved nucleotide located at a position not widely known to affect splicing. Consensus agreement among computation tools predict no significant impact on normal splicing. However, these predictions have yet to be confirmed by functional studies. The variant was absent in 238176 control chromosomes. The available data on variant occurrences in the general population are insufficient to allow any conclusion about variant significance. To our knowledge, no occurrence of c.1248-11C>T in individuals affected with KCNQ2-related conditions and no experimental evidence demonstrating its impact on protein function have been reported. No submitters have cited clinical-significance assessments for this variant to ClinVar. Based on the evidence outlined above, the variant was classified as likely benign.